The following is an entry in ClinVar:

ClinVar aggregate classification (germline): Likely pathogenic (1 of 4 stars; one submission).

Conditions:
Polycystic kidney disease 4 (PKD4). Also called: POLYCYSTIC KIDNEY AND HEPATIC DISEASE 1; POLYCYSTIC KIDNEY DISEASE, INFANTILE, TYPE I; POLYCYSTIC KIDNEY DISEASE 4 WITH OR WITHOUT POLYCYSTIC LIVER DISEASE; PKD3; Autosomal Recessive Polycystic Kidney Disease – PKHD1. Identifiers: MedGen C4540575, MONDO:0033004, OMIM 263200.

Submission:

Myriad Genetics, Inc.
Classification: Likely pathogenic for Polycystic kidney disease 4. Last evaluated: 2022-03-17. Review status: criteria provided, single submitter. Criteria: Myriad Women's Health Autosomal Recessive and X-Linked Classification Criteria (2021). Collection method: clinical testing. Allele origin: unknown.
Comment: NM_138694.3(PKHD1):c.8641A>T(R2881*) is expected to be pathogenic in the context of autosomal recessive polycystic kidney disease, PKHD1-related. This variant is predicted to lead to an abnormal or absent protein product due to the creation of a premature termination codon in PKHD1, a gene where loss-of-function variants are known to be pathogenic. Please note: this variant was assessed in the context of healthy population screening.

NM_138694.4(PKHD1):c.8641A>T (p.Arg2881Ter)

Gene: PKHD1 (PKHD1 ciliary IPT domain containing fibrocystin/polyductin; minus strand). Cytogenetic location: 6p12.3.
Variant type: single nucleotide variant.
Coding change: c.8641A>T on transcript NM_138694.4 (MANE Select); coding-DNA position 8641, A replaced by T.
Protein change: p.Arg2881Ter; replaces arginine 2881 with a stop codon.
Molecular consequence: nonsense.
Genome position (GRCh38, 1-based): chr6:51,772,703, T>A on the plus strand (A>T on the coding strand, the complement: PKHD1 is on the minus strand). VCF-style: chr6-51772703-T-A. GRCh37 (hg19) VCF-style: chr6-51637501-T-A.
Other names: c.8641A>T, p.Arg2881Ter (NM_170724.3); short protein forms R2881*.
Identifiers: ClinVar variation 1725328 (VCV001725328.2), dbSNP rs2534278098, ClinGen allele CA364434762.